The following is an entry in ClinVar:

ClinVar aggregate classification (germline): Uncertain significance. Review status: criteria provided, multiple submitters, no conflicts (2 of 4 stars). 2 submissions from 2 submitters: Uncertain significance (2). Last evaluated 2025-05-30.

Conditions:
PHIP-related disorder. Also called: PHIP-related condition; PHIP-related disorders.

Allele frequency attached by ClinVar (database versions not stated): TOPMed below 0.00001; gnomAD 0.00001; gnomAD exomes below 0.00001.
gnomAD v4.1: 7 of 1,610,652 alleles (0.00043%); highest among the groups gnomAD compares: Non-Finnish European, 0.00059%; no homozygotes.

Submissions (2):

PreventionGenetics, part of Exact Sciences
Classification: Uncertain significance for PHIP-related condition. Last evaluated: 2025-05-30. Review status: criteria provided, single submitter. Criteria: ACMG Guidelines, 2015. Collection method: clinical testing. Allele origin: germline.
Comment: The PHIP c.1050T>G variant is predicted to result in the amino acid substitution p.Phe350Leu. To our knowledge, this variant has not been reported in the literature. This variant is reported in 0.00088% of alleles in individuals of European (Non-Finnish) descent in gnomAD. At this time, the clinical significance of this variant is uncertain due to the absence of conclusive functional and genetic evidence.

CeGaT Center for Human Genetics Tuebingen
Classification: Uncertain significance. Last evaluated: 2022-10-01. Review status: criteria provided, single submitter. Criteria: CeGaT Center For Human Genetics Tuebingen Variant Classification Criteria Version 2. Collection method: clinical testing. Allele origin: germline. Affected: yes. Observed: 1 variant allele.
Comment: PHIP: PP2

NM_017934.7(PHIP):c.1050T>G (p.Phe350Leu)

Gene: PHIP (PHIP subunit of CUL4-Ring ligase complex; minus strand). Cytogenetic location: 6q14.1.
Variant type: single nucleotide variant.
Coding change: c.1050T>G on transcript NM_017934.7 (MANE Select); coding-DNA position 1050, T replaced by G.
Protein change: p.Phe350Leu; replaces phenylalanine 350 with leucine.
Molecular consequence: missense variant.
Genome position (GRCh38, 1-based): chr6:79,017,528, A>C on the plus strand (T>G on the coding strand, the complement: PHIP is on the minus strand). VCF-style: chr6-79017528-A-C. GRCh37 (hg19) VCF-style: chr6-79727245-A-C.
Other names: c.1050T>G (NM_017934.6); short protein forms F350L.
Identifiers: ClinVar variation 2656723 (VCV002656723.25), dbSNP rs1160076894, ClinGen allele CA364636005.